The following is an entry in ClinVar:

NM_145059.3(FCSK):c.959A>T (p.Tyr320Phe)

Gene: FCSK (fucose kinase; plus strand). Cytogenetic location: 16q22.1.
Variant type: single nucleotide variant.
Coding change: c.959A>T on transcript NM_145059.3 (MANE Select); coding-DNA position 959, A replaced by T.
Protein change: p.Tyr320Phe; replaces tyrosine 320 with phenylalanine.
Molecular consequence: missense variant.
Genome position (GRCh38, 1-based): chr16:70,470,317, A>T. VCF-style: chr16-70470317-A-T. GRCh37 (hg19) VCF-style: chr16-70504220-A-T.
Other names: short protein forms Y320F.
Identifiers: ClinVar variation 3094304 (VCV003094304.3), dbSNP rs749801352, ClinGen allele CA396567190.

ClinVar aggregate classification (germline): Uncertain significance. Review status: criteria provided, multiple submitters, no conflicts (2 of 4 stars). 2 submissions from 2 submitters: Uncertain significance (2). Last evaluated 2024-09-11.

Submissions (2):

Labcorp Genetics (formerly Invitae), Labcorp
Classification: Uncertain significance. Last evaluated: 2024-09-11. Review status: criteria provided, single submitter. Criteria: Invitae Variant Classification Sherloc (09022015). Collection method: clinical testing. Allele origin: germline.
Comment: This sequence change replaces tyrosine, which is neutral and polar, with phenylalanine, which is neutral and non-polar, at codon 320 of the FUK protein (p.Tyr320Phe). This variant is not present in population databases (gnomAD no frequency). This variant has not been reported in the literature in individuals affected with FUK-related conditions. An algorithm developed to predict the effect of missense changes on protein structure and function (PolyPhen-2) suggests that this variant is likely to be tolerated. In summary, the available evidence is currently insufficient to determine the role of this variant in disease. Therefore, it has been classified as a Variant of Uncertain Significance.

Ambry Genetics
Classification: Uncertain significance. Last evaluated: 2022-07-26. Review status: criteria provided, single submitter. Criteria: Ambry Variant Classification Scheme 2023. Collection method: clinical testing. Allele origin: germline.